The following is an entry in ClinVar:

NM_006424.3(SLC34A2):c.1981G>T (p.Ala661Ser)

Gene: SLC34A2 (solute carrier family 34 member 2; plus strand). Cytogenetic location: 4p15.2.
Variant type: single nucleotide variant.
Coding change: c.1981G>T on transcript NM_006424.3 (MANE Select); coding-DNA position 1981, G replaced by T.
Protein change: p.Ala661Ser; replaces alanine 661 with serine.
Molecular consequence: missense variant.
Genome position (GRCh38, 1-based): chr4:25,676,657, G>T. VCF-style: chr4-25676657-G-T. GRCh37 (hg19) VCF-style: chr4-25678279-G-T.
Other names: c.1978G>T, p.Ala660Ser (NM_001177998.2, NM_001177999.2); short protein forms A661S, A660S.
Identifiers: ClinVar variation 2047310 (VCV002047310.4), dbSNP rs945288110, ClinGen allele CA93664652.

ClinVar aggregate classification (germline): Uncertain significance (1 of 4 stars; one submission).

Allele frequency attached by ClinVar (database versions not stated): gnomAD exomes below 0.00001.
gnomAD v4.1: 2 of 1,614,180 alleles (0.00012%); highest among the groups gnomAD compares: Non-Finnish European, 0.00017%; no homozygotes.

Submission:

Labcorp Genetics (formerly Invitae), Labcorp
Classification: Uncertain significance. Last evaluated: 2023-11-27. Review status: criteria provided, single submitter. Criteria: Invitae Variant Classification Sherloc (09022015). Collection method: clinical testing. Allele origin: germline.
Comment: This sequence change replaces alanine, which is neutral and non-polar, with serine, which is neutral and polar, at codon 661 of the SLC34A2 protein (p.Ala661Ser). This variant is not present in population databases (gnomAD no frequency). This variant has not been reported in the literature in individuals affected with SLC34A2-related conditions. ClinVar contains an entry for this variant (Variation ID: 2047310). Algorithms developed to predict the effect of missense changes on protein structure and function output the following: SIFT: "Not Available"; PolyPhen-2: "Benign"; Align-GVGD: "Not Available". The serine amino acid residue is found in multiple mammalian species, which suggests that this missense change does not adversely affect protein function. In summary, the available evidence is currently insufficient to determine the role of this variant in disease. Therefore, it has been classified as a Variant of Uncertain Significance.